The following is an entry in ClinVar:

ClinVar aggregate classification (germline): Uncertain significance. Review status: criteria provided, multiple submitters, no conflicts (2 of 4 stars). 3 submissions from 3 submitters: Uncertain significance (2). 1 of the submissions does not count toward it. Last evaluated 2024-06-11.

Conditions:
Fanconi anemia (FA). Also called: Fanconi's anemia. Identifiers: Orphanet 84, MedGen C0015625, MeSH D005199, MONDO:0019391.
Fanconi anemia complementation group D2. Also called: FANCD2-Related Fanconi Anemia; FANCONI PANCYTOPENIA, TYPE 4; FANCONI ANEMIA, COMPLEMENTATION GROUP D. Identifiers: Orphanet 84, MedGen C3160738, MONDO:0009214, OMIM 227646.

Allele frequency attached by ClinVar (database versions not stated): TOPMed 0.00002; gnomAD 0.00002; gnomAD exomes 0.00001.
gnomAD v4.1: 20 of 1,613,984 alleles (0.0012%); highest among the groups gnomAD compares: Admixed American, 0.0017%; no homozygotes.

Submissions (3):

Fulgent Genetics
Classification: Uncertain significance for Fanconi anemia complementation group D2. Last evaluated: 2024-06-11. Review status: criteria provided, single submitter. Criteria: ACMG Guidelines, 2015. Collection method: clinical testing. Allele origin: germline.

Labcorp Genetics (formerly Invitae), Labcorp
Classification: Uncertain significance for Fanconi anemia. Last evaluated: 2022-01-17. Review status: criteria provided, single submitter. Criteria: Invitae Variant Classification Sherloc (09022015). Collection method: clinical testing. Allele origin: germline.
Comment: This sequence change replaces methionine, which is neutral and non-polar, with valine, which is neutral and non-polar, at codon 1270 of the FANCD2 protein (p.Met1270Val). This variant is present in population databases (rs587778333, gnomAD 0.003%). This variant has not been reported in the literature in individuals affected with FANCD2-related conditions. ClinVar contains an entry for this variant (Variation ID: 134325). Algorithms developed to predict the effect of missense changes on protein structure and function (SIFT, PolyPhen-2, Align-GVGD) all suggest that this variant is likely to be tolerated. In summary, the available evidence is currently insufficient to determine the role of this variant in disease. Therefore, it has been classified as a Variant of Uncertain Significance.

ITMI
No classification provided. Condition: AllHighlyPenetrant. Last evaluated: 2013-09-19. Review status: no classification provided. Collection method: reference population. Allele origin: germline. Not counted in ClinVar's aggregate classification.
Comment: Please see associated publication for description of ethnicities

Literature cited by the submitters: PubMed 24728327 (cited by ITMI).

NM_001018115.3(FANCD2):c.3808A>G (p.Met1270Val)

Genes: FANCD2 (FA complementation group D2; plus strand), FANCD2OS (FANCD2 opposite strand; minus strand). Cytogenetic location: 3p25.3.
Variant type: single nucleotide variant.
Coding change: c.3808A>G on transcript NM_001018115.3 (MANE Select); coding-DNA position 3808, A replaced by G.
Protein change: p.Met1270Val; replaces methionine 1270 with valine.
Molecular consequence: missense variant. On other transcripts: intron variant (1).
Genome position (GRCh38, 1-based): chr3:10,092,211, A>G. VCF-style: chr3-10092211-A-G. GRCh37 (hg19) VCF-style: chr3-10133895-A-G.
Other names: c.3808A>G, p.Met1270Val (NM_001374254.1, NM_033084.6, NM_001319984.2); c.*44-10680T>C (NM_173472.2); c.3697A>G, p.Met1233Val (NM_001374253.1); short protein forms M1270V, M1233V.
Identifiers: ClinVar variation 134325 (VCV000134325.6), dbSNP rs587778333, ClinGen allele CA159498.